The following is an entry in ClinVar:

NM_004415.4(DSP):c.6880G>A (p.Ala2294Thr)

Gene: DSP (desmoplakin; plus strand). Cytogenetic location: 6p24.3.
Variant type: single nucleotide variant.
Coding change: c.6880G>A on transcript NM_004415.4 (MANE Select); coding-DNA position 6880, G replaced by A.
Protein change: p.Ala2294Thr; replaces alanine 2294 with threonine.
Molecular consequence: missense variant.
Genome position (GRCh38, 1-based): chr6:7,584,142, G>A. VCF-style: chr6-7584142-G-A. GRCh37 (hg19) VCF-style: chr6-7584375-G-A.
Other names: c.5083G>A, p.Ala1695Thr (NM_001008844.3); c.5551G>A, p.Ala1851Thr (NM_001319034.2); short protein forms A1851T, A1695T, A2294T.
Identifiers: ClinVar variation 928211 (VCV000928211.8), dbSNP rs1422022096, ClinGen allele CA362691757.

ClinVar aggregate classification (germline): Uncertain significance. Review status: criteria provided, multiple submitters, no conflicts (2 of 4 stars). 3 submissions from 3 submitters: Uncertain significance (3). Last evaluated 2025-05-07.

Conditions:
Arrhythmogenic cardiomyopathy with wooly hair and keratoderma. Also called: PALMOPLANTAR KERATODERMA WITH LEFT VENTRICULAR CARDIOMYOPATHY AND WOOLLY HAIR; Carvajal syndrome; Dilated cardiomyopathy with woolly hair and keratoderma; Arrhythmogenic cardiomyopathy with woolly hair and keratoderma. Identifiers: Orphanet 65282, MedGen C1854063, MONDO:0011581, OMIM 605676.
Arrhythmogenic right ventricular dysplasia 8 (ARVD8). Also called: ARRHYTHMOGENIC RIGHT VENTRICULAR DYSPLASIA, FAMILIAL, 8; Arrhythmogenic Right Ventricular Dysplasia/Cardiomyopathy 8; ARRHYTHMOGENIC RIGHT VENTRICULAR CARDIOMYOPATHY 8. Identifiers: MedGen C1843896, MONDO:0011831, OMIM 607450.
Cardiomyopathy (CMYO). Also called: Cardiomyopathies. Identifiers: Orphanet 167848, MedGen C0878544, MONDO:0004994, HP:0001638. Inheritance: Various modes of inheritance.

Allele frequency attached by ClinVar (database versions not stated): gnomAD 0.00001; TOPMed 0.00001.
gnomAD v4.1: 2 of 1,614,074 alleles (0.00012%); highest among the groups gnomAD compares: Admixed American, 0.0017%; no homozygotes.

Submissions (3):

Labcorp Genetics (formerly Invitae), Labcorp
Classification: Uncertain significance for Arrhythmogenic cardiomyopathy with wooly hair and keratoderma; Arrhythmogenic right ventricular dysplasia 8. Last evaluated: 2025-05-07. Review status: criteria provided, single submitter. Criteria: Invitae Variant Classification Sherloc (09022015). Collection method: clinical testing. Allele origin: germline.
Comment: This sequence change replaces alanine, which is neutral and non-polar, with threonine, which is neutral and polar, at codon 2294 of the DSP protein (p.Ala2294Thr). This variant is not present in population databases (gnomAD no frequency). This variant has not been reported in the literature in individuals affected with DSP-related conditions. ClinVar contains an entry for this variant (Variation ID: 928211). An algorithm developed to predict the effect of missense changes on protein structure and function (PolyPhen-2) suggests that this variant is likely to be disruptive. In summary, the available evidence is currently insufficient to determine the role of this variant in disease. Therefore, it has been classified as a Variant of Uncertain Significance.

All of Us Research Program, National Institutes of Health
Classification: Uncertain significance for Arrhythmogenic cardiomyopathy with wooly hair and keratoderma. Last evaluated: 2024-05-09. Review status: criteria provided, single submitter. Criteria: ACMG Guidelines, 2015. Collection method: clinical testing. Allele origin: germline. Inheritance: Autosomal dominant inheritance. Observed: 5 variant alleles, 5 heterozygotes.
Comment: This missense variant replaces alanine with threonine at codon 2294 of the DSP protein. Computational prediction suggests that this variant may have deleterious impact on protein structure and function (internally defined REVEL score threshold >= 0.7, PMID: 27666373). To our knowledge, functional studies have not been reported for this variant. This variant has not been reported in individuals affected with cardiovascular disorders in the literature. This variant has not been identified in the general population by the Genome Aggregation Database (gnomAD). The available evidence is insufficient to determine the role of this variant in disease conclusively. Therefore, this variant is classified as a Variant of Uncertain Significance.

This study involves interpretation of variants in research participants for the purpose of population health screening. Participant phenotype was not available at the time of variant classification. Additional details can be found in publication PMID: 35346344, PMCID: PMC8962531

Color Diagnostics, LLC DBA Color Health
Classification: Uncertain significance for Cardiomyopathy. Last evaluated: 2023-03-16. Review status: criteria provided, single submitter. Criteria: ACMG Guidelines, 2015. Collection method: clinical testing. Allele origin: germline.
Comment: This missense variant replaces alanine with threonine at codon 2294 of the DSP protein. Computational prediction suggests that this variant may have deleterious impact on protein structure and function (internally defined REVEL score threshold >= 0.7, PMID: 27666373). To our knowledge, functional studies have not been reported for this variant. This variant has not been reported in individuals affected with cardiovascular disorders in the literature. This variant has not been identified in the general population by the Genome Aggregation Database (gnomAD). The available evidence is insufficient to determine the role of this variant in disease conclusively. Therefore, this variant is classified as a Variant of Uncertain Significance.